The following is an entry in ClinVar:

ClinVar aggregate classification (germline): Uncertain significance. Review status: criteria provided, single submitter (1 of 4 stars). 2 submissions from 2 submitters: Uncertain significance (1). 1 of the submissions does not count toward it. Last evaluated 2025-04-16.

Conditions:
Retinal dystrophy. Also called: Inherited retinal dystrophy. Identifiers: Orphanet 71862, MedGen C0854723, MeSH D058499, MONDO:0019118, HP:0000556.

Allele frequency attached by ClinVar (database versions not stated): gnomAD 0.00001; gnomAD exomes 0.00001; TOPMed 0.00001; ExAC 0.00002.
gnomAD v4.1: 17 of 1,613,964 alleles (0.0011%); highest among the groups gnomAD compares: East Asian, 0.0022%; no homozygotes.

Submissions (2):

Labcorp Genetics (formerly Invitae), Labcorp
Classification: Uncertain significance. Last evaluated: 2025-04-16. Review status: criteria provided, single submitter. Criteria: Invitae Variant Classification Sherloc (09022015). Collection method: clinical testing. Allele origin: germline.
Comment: This sequence change replaces alanine, which is neutral and non-polar, with valine, which is neutral and non-polar, at codon 690 of the PCDH15 protein (p.Ala690Val). This variant is present in population databases (rs778066232, gnomAD 0.003%). This variant has not been reported in the literature in individuals affected with PCDH15-related conditions. ClinVar contains an entry for this variant (Variation ID: 2418067). Invitae Evidence Modeling of protein sequence and biophysical properties (such as structural, functional, and spatial information, amino acid conservation, physicochemical variation, residue mobility, and thermodynamic stability) indicates that this missense variant is not expected to disrupt PCDH15 protein function with a negative predictive value of 95%. In summary, the available evidence is currently insufficient to determine the role of this variant in disease. Therefore, it has been classified as a Variant of Uncertain Significance.

Institute of Human Genetics, Univ. Regensburg, Univ. Regensburg
Classification: Uncertain significance for Retinal dystrophy. Last evaluated: 2022-01-01. Review status: no assertion criteria provided. Criteria: ACMG Guidelines, 2015. Collection method: clinical testing. Allele origin: germline. Affected: yes. Not counted in ClinVar's aggregate classification.

NM_001384140.1(PCDH15):c.2069C>T (p.Ala690Val)

Gene: PCDH15 (protocadherin related 15; minus strand). Cytogenetic location: 10q21.1.
Variant type: single nucleotide variant.
Coding change: c.2069C>T on transcript NM_001384140.1 (MANE Select); coding-DNA position 2069, C replaced by T.
Protein change: p.Ala690Val; replaces alanine 690 with valine.
Molecular consequence: missense variant.
Genome position (GRCh38, 1-based): chr10:54,079,353, G>A on the plus strand (C>T on the coding strand, the complement: PCDH15 is on the minus strand). VCF-style: chr10-54079353-G-A. GRCh37 (hg19) VCF-style: chr10-55839113-G-A.
Other names: c.2084C>T, p.Ala695Val (NM_001142763.2, NM_001142771.2); c.2069C>T, p.Ala690Val (NM_001142764.2, NM_001142766.2, NM_001142770.3 and 5 more transcripts); c.1856C>T, p.Ala619Val (NM_001142765.2); c.1958C>T, p.Ala653Val (NM_001142767.2); c.2003C>T, p.Ala668Val (NM_001142768.2, NM_001142773.2, NM_001354404.2); c.2105C>T, p.Ala702Val (NM_001142769.4); c.2090C>T, p.Ala697Val (NM_001354411.2); short protein forms A619V, A653V, A668V, A690V, A695V, A697V, A702V.
Identifiers: ClinVar variation 2418067 (VCV002418067.5), dbSNP rs778066232, ClinGen allele CA5506140.
Genomic context (GRCh38, chr10:54,079,353, plus strand): 5'-TACTATTTTTAAAACCCCTTCACAGGGAGCATACTCACCCCATCTGGCCTGCCATCTGAA[G>A]CTGTGATGATCAGAATGTAGCGATCAGTGCTTTCCCTGTCCAGTGCTTTCCCTAAGGTTA-3'
Protein context (NP_001371069.1, residues 680-700): STDRYILIIT[Ala690Val]SDGRPDGTST